The following is an entry in ClinVar:

ClinVar aggregate classification (germline): Uncertain significance (1 of 4 stars; one submission).

Conditions:
Fanconi anemia (FA). Also called: Fanconi's anemia. Identifiers: Orphanet 84, MedGen C0015625, MeSH D005199, MONDO:0019391.

gnomAD v4.1: 1 of 1,608,612 alleles (0.000062%); highest among the groups gnomAD compares: East Asian, 0.0022%; no homozygotes.

Submission:

Labcorp Genetics (formerly Invitae), Labcorp
Classification: Uncertain significance for Fanconi anemia. Last evaluated: 2024-12-24. Review status: criteria provided, single submitter. Criteria: Invitae Variant Classification Sherloc (09022015). Collection method: clinical testing. Allele origin: germline.
Comment: This sequence change replaces histidine, which is basic and polar, with arginine, which is basic and polar, at codon 1376 of the SLX4 protein (p.His1376Arg). This variant is not present in population databases (gnomAD no frequency). This variant has not been reported in the literature in individuals affected with SLX4-related conditions. An algorithm developed to predict the effect of missense changes on protein structure and function outputs the following: PolyPhen-2: "Benign". The arginine amino acid residue is found in multiple mammalian species, which suggests that this missense change does not adversely affect protein function. In summary, the available evidence is currently insufficient to determine the role of this variant in disease. Therefore, it has been classified as a Variant of Uncertain Significance.

NM_032444.4(SLX4):c.4127A>G (p.His1376Arg)

Gene: SLX4 (SLX4 structure-specific endonuclease subunit; minus strand). Cytogenetic location: 16p13.3.
Variant type: single nucleotide variant.
Coding change: c.4127A>G on transcript NM_032444.4 (MANE Select); coding-DNA position 4127, A replaced by G.
Protein change: p.His1376Arg; replaces histidine 1376 with arginine.
Molecular consequence: missense variant.
Genome position (GRCh38, 1-based): chr16:3,589,511, T>C on the plus strand (A>G on the coding strand, the complement: SLX4 is on the minus strand). VCF-style: chr16-3589511-T-C. GRCh37 (hg19) VCF-style: chr16-3639512-T-C.
Other names: short protein forms H1376R.
Identifiers: ClinVar variation 3675789 (VCV003675789.2).